The following is an entry in ClinVar:

NM_001868.4(CPA1):c.1099T>A (p.Trp367Arg)

Gene: CPA1 (carboxypeptidase A1; plus strand). Cytogenetic location: 7q32.2.
Variant type: single nucleotide variant.
Coding change: c.1099T>A on transcript NM_001868.4 (MANE Select); coding-DNA position 1099, T replaced by A.
Protein change: p.Trp367Arg; replaces tryptophan 367 with arginine.
Molecular consequence: missense variant.
Genome position (GRCh38, 1-based): chr7:130,387,850, T>A. VCF-style: chr7-130387850-T-A. GRCh37 (hg19) VCF-style: chr7-130027691-T-A.
Other names: short protein forms W367R.
Identifiers: ClinVar variation 5034923 (VCV005034923.1).
Genomic context (GRCh38, chr7:130,387,850, plus strand): 5'-TGACCCTTTCTCTCCTATTTTACTCCTGCCCCAGATCAAGCCAGTGGAAGCACTATTGAC[T>A]GGACCTACAGCCAGGGCATCAAGTACTCCTTCACCTTCGAGCTCCGGGACACTGGGCGCT-3'
Protein context (NP_001859.1, residues 357-377): IYQASGSTID[Trp367Arg]TYSQGIKYSF

ClinVar aggregate classification (germline): Uncertain significance (1 of 4 stars; one submission).

Conditions:
Hereditary pancreatitis (PCTT). Also called: Hereditary chronic pancreatitis; PRSS1-Related Hereditary Pancreatitis. Identifiers: Orphanet 676, MedGen C0238339, MONDO:0008185, OMIM 167800.

Submission:

Ambry Genetics
Classification: Uncertain significance for Hereditary pancreatitis. Last evaluated: 2026-09-08. Review status: criteria provided, single submitter. Criteria: Ambry Variant Classification Scheme 2023. Collection method: clinical testing. Allele origin: germline.
Comment: The p.W367R variant (also known as c.1099T>A), located in coding exon 10 of the CPA1 gene, results from a T to A substitution at nucleotide position 1099. The tryptophan at codon 367 is replaced by arginine, an amino acid with dissimilar properties. This amino acid position is conserved. In addition, this alteration is predicted to be deleterious by in silico analysis. Based on the available evidence, the clinical significance of this variant remains unclear.